The following is an entry in ClinVar:

NM_001385641.1(SAMD11):c.1841C>T (p.Thr614Met)

Gene: SAMD11 (sterile alpha motif domain containing 11; plus strand). Cytogenetic location: 1p36.33.
Variant type: single nucleotide variant.
Coding change: c.1841C>T on transcript NM_001385641.1 (MANE Select); coding-DNA position 1841, C replaced by T.
Protein change: p.Thr614Met; replaces threonine 614 with methionine.
Molecular consequence: missense variant.
Genome position (GRCh38, 1-based): chr1:942,846, C>T. VCF-style: chr1-942846-C-T. GRCh37 (hg19) VCF-style: chr1-878226-C-T.
Other names: c.1844C>T, p.Thr615Met (NM_001385640.1); c.1352C>T, p.Thr451Met (NM_152486.4); short protein forms T451M, T614M, T615M.
Identifiers: ClinVar variation 948328 (VCV000948328.8), dbSNP rs778084644, ClinGen allele CA503000.

ClinVar aggregate classification (germline): Uncertain significance (1 of 4 stars; one submission).

Allele frequency attached by ClinVar (database versions not stated): gnomAD 0.00001; TOPMed 0.00003; gnomAD exomes 0.00006 and 0.00007; ExAC 0.00008.
gnomAD v4.1: 81 of 1,551,422 alleles (0.0052%); highest among the groups gnomAD compares: South Asian, 0.026%; no homozygotes.

Submission:

Labcorp Genetics (formerly Invitae), Labcorp
Classification: Uncertain significance. Last evaluated: 2022-04-09. Review status: criteria provided, single submitter. Criteria: Invitae Variant Classification Sherloc (09022015). Collection method: clinical testing. Allele origin: germline.
Comment: This sequence change replaces threonine, which is neutral and polar, with methionine, which is neutral and non-polar, at codon 451 of the SAMD11 protein (p.Thr451Met). The frequency data for this variant in the population databases is considered unreliable, as metrics indicate poor data quality at this position in the gnomAD database. This variant has not been reported in the literature in individuals affected with SAMD11-related conditions. ClinVar contains an entry for this variant (Variation ID: 948328). Algorithms developed to predict the effect of missense changes on protein structure and function are either unavailable or do not agree on the potential impact of this missense change (SIFT: "Deleterious"; PolyPhen-2: "Possibly Damaging"; Align-GVGD: "Class C15"). In summary, the available evidence is currently insufficient to determine the role of this variant in disease. Therefore, it has been classified as a Variant of Uncertain Significance.